The following is an entry in ClinVar:

ClinVar aggregate classification (germline): Pathogenic. Review status: criteria provided, multiple submitters, no conflicts (2 of 4 stars). 15 submissions from 13 submitters: Pathogenic (13). 2 of the submissions do not count toward it. Last evaluated 2025-12-29.

Conditions:
GLB1-related disorder. Also called: GLB1-related disorders. Identifiers: MedGen CN377807.
Inborn genetic diseases. Identifiers: MedGen C0950123, MeSH D030342.
Mucopolysaccharidosis, MPS-IV-B (MPS4B). Also called: Mucopolysaccharidosis Type IVB; Mucopolysaccharidosis type IV B; MORQUIO SYNDROME B; Mucopolysaccharidosis Type IVB (Morquio B Disease); Mucopolysaccharidosis type IVB (Morquio); MPS IVB. Identifiers: Orphanet 309310, Orphanet 582, MedGen C0086652, MONDO:0009660, OMIM 253010.
GM1 gangliosidosis. Identifiers: Orphanet 354, MedGen C0085131, MONDO:0018149.
Infantile GM1 gangliosidosis. Also called: Gangliosidosis, Generalized GM1, Type 1; GM1-gangliosidosis, type I; Gangliosidosis, generalized GM1, infantile form; GLB1 deficiency; GM1 gangliosidosis type 1. Identifiers: Orphanet 354, Orphanet 79255, MedGen C0268271, MONDO:0009260, OMIM 230500.
GM1 gangliosidosis type 2. Also called: Gangliosidosis, Generalized GM1, Type 2; GM1-GANGLIOSIDOSIS, TYPE II; Juvenile GM>1< gangliosidosis; GANGLIOSIDOSIS, GENERALIZED GM1, JUVENILE TYPE; GANGLIOSIDOSIS, GENERALIZED GM1, TYPE II. Identifiers: Orphanet 354, Orphanet 79256, MedGen C0268272, MONDO:0009261, OMIM 230600.
GM1 gangliosidosis type 3. Also called: Beta-galactosidase deficiency; Adult GM1 gangliosidosis; Type 3 (adult) GM1 gangliosidosis; Gangliosidosis, Generalized GM1, Type 3; GM1-GANGLIOSIDOSIS, TYPE III; GANGLIOSIDOSIS, GENERALIZED GM1, ADULT TYPE. Identifiers: Orphanet 79257, MedGen C0268273, MONDO:0009262, OMIM 230650.

Allele frequency attached by ClinVar (database versions not stated): TOPMed 0.00003; ExAC 0.00015; gnomAD exomes 0.00015 and 0.00020; gnomAD 0.00020 and 0.00021.

Submissions 1 to 7 of 15:

Labcorp Genetics (formerly Invitae), Labcorp
Classification: Pathogenic for Mucopolysaccharidosis, MPS-IV-B; GM1 gangliosidosis. Last evaluated: 2025-12-29. Review status: criteria provided, single submitter. Criteria: Invitae Variant Classification Sherloc (09022015). Collection method: clinical testing. Allele origin: germline.
Comment: This sequence change falls in intron 1 of the GLB1 gene. It does not directly change the encoded amino acid sequence of the GLB1 protein. RNA analysis indicates that this variant induces altered splicing and may result in an absent or altered protein product. This variant is present in population databases (rs766823411, gnomAD 0.1%). This variant has been observed in individuals with GM1 gangliosidosis (PMID: 8198123, 8199591, 29160035). It has also been observed to segregate with disease in related individuals. ClinVar contains an entry for this variant (Variation ID: 936). Variants that disrupt the consensus splice site are a relatively common cause of aberrant splicing (PMID: 17576681, 9536098). Studies have shown that this variant results in retention of 20bp of intron1, and produces a non-functional protein and/or introduces a premature termination codon (PMID: 8198123, 8199591). For these reasons, this variant has been classified as Pathogenic.

Natera, Inc.
Classification: Pathogenic for Mucopolysaccharidosis, MPS-IV-B. Last evaluated: 2025-06-25. Review status: criteria provided, single submitter. Criteria: Natera Variant Classification Schema (03/2026). Collection method: clinical testing. Allele origin: germline.
Comment: The c.75+2dupT variant in GLB1 is a canonical splice donor site variant predicted to affect pre-mRNA splicing, which may result in an abnormal transcript and altered protein product. This variant is rare in the general population with a frequency below the threshold expected for the associated phenotype(s). This variant has been observed in one or more individuals affected with the associated recessive disease, as either homozygous or compound heterozygous with a second variant (PMID: 33038107, 33737400). Given the available evidence, this variant is classified as Pathogenic.

PreventionGenetics, part of Exact Sciences
Classification: Pathogenic for GLB1-related condition. Last evaluated: 2025-06-23. Review status: criteria provided, single submitter. Criteria: ACMG Guidelines, 2015. Collection method: clinical testing. Allele origin: germline.
Comment: The GLB1 c.75+2dupT variant is predicted to result in an intronic duplication. This variant is predicted to impact splicing based on available splicing prediction programs (SpliceAI, Jaganathan et al. 2019. PubMed ID: 30661751). This variant has been reported in the homozygous or compound heterozygous states in individuals with GM1-gangliosidosis, and it has also been found to segregate with disease in multiple families (see, for example, Chakraborty et al. 1994. PubMed ID: 8198123; Morrone et al. 1994. PubMed ID: 8199591; referred to as c.75+2insT, Bidchol et al. 2015. PubMed ID: 25936995). RT-PCR studies suggest this variant impact mRNA splicing (Chakraborty et al. 1994. PubMed ID: 8198123; Morrone et al. 1994. PubMed ID: 8199591). This variant is reported in 0.13% of alleles in individuals of European (Finnish) descent in gnomAD. This variant is interpreted as pathogenic.

ARUP Laboratories, Molecular Genetics and Genomics, ARUP Laboratories
Classification: Pathogenic. Last evaluated: 2025-02-27. Review status: criteria provided, single submitter. Criteria: ARUP Molecular Germline Variant Investigation Process 2024. Collection method: clinical testing. Allele origin: germline.
Comment: The GLB1 c.75+2dup variant (rs587776525, ClinVar Variation ID 936) is reported in the literature in both homozygous and compound heterozygous states in multiple individuals affected with early-, early-infantile-, and adult-onset GM1 gangliosidosis (Arash-Kaps 2019, Caciotti 2011, Chakraborty 1994, King 2020, Morrone 1994, Tebani 2022). This variant is found in the general population with an overall allele frequency of 0.02% (58/274876 alleles) in the Genome Aggregation Database (v2.1.1). This is an intronic variant and computational analyses (Alamut Visual Plus v.1.12) predict that this variant may impact splicing by weakening the nearby canonical donor splice site. RNA analysis confirms aberrant splicing resulting in absent functional transcript (Morrone 1994). Based on available information, this variant is considered to be pathogenic. References: Arash-Kaps L et al. The Clinical and Molecular Spectrum of GM1 Gangliosidosis. J Pediatr. 2019 Dec. PMID: 31761138 Caciotti A et al. GM1 gangliosidosis and Morquio B disease: an update on genetic alterations and clinical findings. Biochim Biophys Acta. 2011 Jul. PMID: 21497194 Chakraborty S et al. Mutations in the lysosomal beta-galactosidase gene that cause the adult form of GM1 gangliosidosis. Am J Hum Genet. 1994 Jun. PMID: 8198123 King KE et al. The juvenile gangliosidoses: A timeline of clinical change. Mol Genet Metab Rep. 2020 Dec. PMID: 33240792 Morrone A et al. Insertion of a T next to the donor splice site of intron 1 causes aberrantly spliced mRNA in a case of infantile GM1-gangliosidosis. Hum Mutat. 1994 PMID: 8199591 Tebani A et al. Disentangling molecular and clinical stratification patterns in beta-galactosidase deficiency. J Med Genet. 2022 Apr. PMID: 33737400

Blueprint Genetics
Classification: Pathogenic for GLB1-related disorders. Last evaluated: 2024-11-25. Review status: criteria provided, single submitter. Criteria: ACMG Guidelines, 2015. Collection method: clinical testing. Allele origin: germline. Affected: yes. Observed: 5 variant alleles.

Ambry Genetics
Classification: Pathogenic for Inborn genetic diseases. Last evaluated: 2024-07-08. Review status: criteria provided, single submitter. Criteria: Ambry Variant Classification Scheme 2023. Collection method: clinical testing. Allele origin: germline.
Comment: The c.75+2dupT variant results from a duplication of one nucleotide (T) between positions +2 and +3 after coding exon 1 of the GLB1 gene. This variant does not change the sequence of the canonical donor at this splice site. Based on data from gnomAD, the TT allele has an overall frequency of 0.021% (58/274876) total alleles studied. The highest observed frequency was 0.133% (33/24736) of European (Finnish) alleles. This variant has been identified in the homozygous state and/or in conjunction with other GLB1 variant(s) in individual(s) with features consistent with autosomal recessive GLB1-related disorders; in at least one instance, the variants were identified in trans (Chakraborty, 1994; Myers, 2018; Tebani, 2022). This nucleotide position is highly conserved in available vertebrate species. RNA studies have demonstrated that this alteration results in abnormal splicing in the set of samples tested (Chakraborty, 1994; Morrone, 1994). In silico splice site analysis predicts that this alteration will weaken the native splice donor site and will result in the creation or strengthening of a novel splice donor site. Based on the available evidence, this alteration is classified as pathogenic.

Neuberg Centre For Genomic Medicine, NCGM
Classification: Pathogenic for Infantile GM1 gangliosidosis. Last evaluated: 2023-06-22. Review status: criteria provided, single submitter. Criteria: ACMG Guidelines, 2015. Collection method: clinical testing. Allele origin: germline. Inheritance: Autosomal recessive inheritance. Affected: yes.
Comment: The observed splice region c.75+2dup variant in GLB1 gene has been reported previously in homozygous or compound heterozygous state in individual(s) affected with GM1 gangliosidosis (Mishra et al., 2021). This variant is reported with the allele frequency of 0.02% in the gnomAD Exomes. This variant has been reported to the ClinVar database as Pathogenic (multiple submissions). This splice region variant in intron 1 affects the splicing. The spliceAI tool predicts that this splice site variant is damaging. Studies have shown that this variant results in retention of 20bp of intron1 and introduces a premature termination codon (Morrone et al., 1994). For these reasons, this variant has been classified as Pathogenic.

NM_000404.4(GLB1):c.75+2dup

Genes: GLB1 (galactosidase beta 1; minus strand), TMPPE (transmembrane protein with metallophosphoesterase domain; minus strand), LOC129936434 (ATAC-STARR-seq lymphoblastoid silent region 14182; plus strand). Cytogenetic location: 3p22.3.
Variant type: Duplication.
Coding change: c.75+2dup on transcript NM_000404.4 (MANE Select); the canonical splice donor site of the intron after coding-DNA position 75, one base duplicated (T; older notation c.75+2dupT).
Molecular consequence: splice donor variant. On other transcripts: 5 prime UTR variant (2).
Genome position (GRCh38, 1-based): chr3:33,097,009, A duplicated on the plus strand (T on the coding strand, the reverse complement: GLB1 is on the minus strand). VCF-style (leftmost placement, unchanged base first): chr3-33097008-T-TA. GRCh37 (hg19) VCF-style: chr3-33138500-T-TA.
Other names: c.-399dup (NM_001039770.3); c.-295dup (NM_001136238.2); c.75+2dup (NM_001393580.1, NM_001135602.3, NM_001317040.2 and 1 more transcripts); c.75+2dupT (NM_000404.2).
Identifiers: ClinVar variation 936 (VCV000000936.20), dbSNP rs587776525, ClinGen allele CA114651.